The following is an entry in ClinVar:

ClinVar aggregate classification (germline): Uncertain significance. Review status: criteria provided, multiple submitters, no conflicts (2 of 4 stars). 2 submissions from 2 submitters: Uncertain significance (2). Last evaluated 2024-08-19.

Conditions:
Inborn genetic diseases. Identifiers: MedGen C0950123, MeSH D030342.
Polyglandular autoimmune syndrome, type 1 (APS1). Also called: Autoimmune polyendocrinopathy syndrome, type I; APS I; Autoimmune polyendocrinopathy syndrome , type I, with or without reversible metaphyseal dysplasia; HYPOADRENOCORTICISM WITH HYPOPARATHYROIDISM AND SUPERFICIAL MONILIASIS; PGA I; Autoimmune polyendocrine syndrome type 1. Identifiers: Orphanet 3453, MedGen C0085859, MONDO:0009411, OMIM 240300.

Allele frequency attached by ClinVar (database versions not stated): gnomAD exomes below 0.00001; TOPMed below 0.00001.
gnomAD v4.1: 1 of 1,612,936 alleles (0.000062%); highest among the groups gnomAD compares: African/African-American, 0.0013%; no homozygotes.

Submissions (2):

Ambry Genetics
Classification: Uncertain significance for Inborn genetic diseases. Last evaluated: 2024-08-19. Review status: criteria provided, single submitter. Criteria: Ambry Variant Classification Scheme 2023. Collection method: clinical testing. Allele origin: germline.

Labcorp Genetics (formerly Invitae), Labcorp
Classification: Uncertain significance for Polyglandular autoimmune syndrome, type 1. Last evaluated: 2021-06-06. Review status: criteria provided, single submitter. Criteria: Invitae Variant Classification Sherloc (09022015). Collection method: clinical testing. Allele origin: germline.
Comment: This sequence change replaces leucine with methionine at codon 63 of the AIRE protein (p.Leu63Met). The leucine residue is highly conserved and there is a small physicochemical difference between leucine and methionine. This variant is not present in population databases (ExAC no frequency). This variant has not been reported in the literature in individuals with AIRE-related conditions. Algorithms developed to predict the effect of missense changes on protein structure and function are either unavailable or do not agree on the potential impact of this missense change (SIFT: "Deleterious"; PolyPhen-2: "Probably Damaging"; Align-GVGD: "Class C0"). In summary, the available evidence is currently insufficient to determine the role of this variant in disease. Therefore, it has been classified as a Variant of Uncertain Significance.

NM_000383.4(AIRE):c.187C>A (p.Leu63Met)

Gene: AIRE (autoimmune regulator; plus strand). Cytogenetic location: 21q22.3.
Variant type: single nucleotide variant.
Coding change: c.187C>A on transcript NM_000383.4 (MANE Select); coding-DNA position 187, C replaced by A.
Protein change: p.Leu63Met; replaces leucine 63 with methionine.
Molecular consequence: missense variant.
Genome position (GRCh38, 1-based): chr21:44,286,611, C>A. VCF-style: chr21-44286611-C-A. GRCh37 (hg19) VCF-style: chr21-45706494-C-A.
Other names: short protein forms L63M.
Identifiers: ClinVar variation 2146760 (VCV002146760.2), dbSNP rs1177006409, ClinGen allele CA410423313.